The following is an entry in ClinVar:

ClinVar aggregate classification (germline): Likely pathogenic. Review status: reviewed by expert panel (3 of 4 stars). 4 submissions from 4 submitters: Likely pathogenic (1). 3 of the submissions do not count toward it. Last evaluated 2026-04-23.

Conditions:
Angelman syndrome (AS). Also called: HAPPY PUPPET SYNDROME. Identifiers: Orphanet 72, MedGen C0162635, MONDO:0007113, OMIM 105830. Disease mechanism: loss of function. Inheritance: imprinting disorder, AS is caused by disruption of maternally imprinted UBE3A located within the 15q11.2-q13 Angelman syndrome/Prader-Willi syndrome (AS/PWS) region..

Submissions (4):

ClinGen Rett and Angelman-like Disorders Variant Curation Expert Panel
Classification: Likely pathogenic for Angelman syndrome. Last evaluated: 2026-04-23. Review status: reviewed by expert panel. Criteria: ClinGen RettAS ACMG Specifications UBE3A V6.0.0. Collection method: curation. Allele origin: germline. Inheritance: Autosomal dominant inheritance.
Comment: Maternal germline mosaicism is suspected as the variant was not detected in the patient's mother or father, but was present in two affected maternal half-brothers. Additionally it was not present in one unaffected sibling (PP1_moderate) (PMID: 27620904). The p.Gly870Asp variant in UBE3A has been reported in an individual with a clinical phenotype suggestive of Angelman syndrome (PMID: 27620904) (PP4). Computational prediction analysis tools suggests a deleterious impact; however, this information does not predict clinical significance on its own (PP3). The p.Gly870Asp variant in UBE3A was observed in 1 allele in gnomAD v4.1, however, the individual had a skewed allele frequency (.2-.25) and a reduced depth of coverage (10X), and therefore doesn't meet criteria for BS1 (BS1_not met). In summary, the p.Gly870Asp variant in UBE3A is classified as likely pathogenic for Angelman syndrome based on the ACMG/AMP criteria (PS2, PP1_moderate, PP3, PP4). (UBE3A Specifications v6; curation approved on 4/23/2026)

Eurofins Ntd Llc (ga)
Classification: Uncertain significance. Last evaluated: 2014-01-15. Review status: criteria provided, single submitter. Criteria: EGL Classification Definitions 2015. Collection method: clinical testing. Allele origin: germline. Observed: 1 variant allele, 1 heterozygote. Not counted in ClinVar's aggregate classification.

Genetic Services Laboratory, University of Chicago
Classification: Uncertain significance for Angelman syndrome. Last evaluated: 2013-02-08. Review status: criteria provided, single submitter. Criteria: ACMG Guidelines, 2007. Collection method: clinical testing. Allele origin: germline. Inheritance: Autosomal dominant inheritance. Not counted in ClinVar's aggregate classification.

Molecular Genetics Lab, CHRU Brest
Classification: Likely pathogenic for Angelman syndrome. Review status: criteria provided, single submitter. Criteria: ACMG Guidelines, 2015. Collection method: clinical testing. Allele origin: paternal. Affected: yes. Not counted in ClinVar's aggregate classification.

NM_130839.5(UBE3A):c.2609G>A (p.Gly870Asp)

Genes: SNHG14 (small nucleolar RNA host gene 14; plus strand), UBE3A (ubiquitin protein ligase E3A; minus strand). Cytogenetic location: 15q11.2.
Variant type: single nucleotide variant.
Coding change: c.2609G>A on transcript NM_130839.5 (MANE Select); coding-DNA position 2609, G replaced by A.
Protein change: p.Gly870Asp; replaces glycine 870 with aspartic acid.
Molecular consequence: missense variant. On other transcripts: non-coding transcript variant (1).
Genome position (GRCh38, 1-based): chr15:25,339,147, C>T on the plus strand (G>A on the coding strand, the complement: UBE3A is on the minus strand). VCF-style: chr15-25339147-C-T. GRCh37 (hg19) VCF-style: chr15-25584294-C-T.
Other names: NM_130839.5(UBE3A):c.2609G>A; p.Gly870Asp; c.2618G>A, p.Gly873Asp (NM_000462.5); c.2609G>A, p.Gly870Asp (NM_001354505.1, NM_001354538.2); c.2549G>A, p.Gly850Asp (NM_001354506.2, NM_001354507.2, NM_001354508.2 and 14 more transcripts); c.2453G>A, p.Gly818Asp (NM_001354545.2); c.2432G>A, p.Gly811Asp (NM_001354546.2); c.2393G>A, p.Gly798Asp (NM_001354547.2, NM_001354548.2); and 4 more; short protein forms G850D, G433D, G811D, G818D, G453D, G795D, G798D, G870D.
Identifiers: ClinVar variation 160221 (VCV000160221.11), dbSNP rs587784528, ClinGen allele CA235190.